The following is an entry in ClinVar:

ClinVar aggregate classification (germline): Conflicting classifications of pathogenicity. Review status: criteria provided, conflicting classifications (1 of 4 stars). 5 submissions from 5 submitters: Uncertain significance (1); Likely benign (3). 1 of the submissions does not count toward it. Last evaluated 2026-08-27.

Conditions:
Cohen syndrome (COH1). Also called: Cutis verticis gyrata, retinitis pigmentosa, and sensorineural deafness; PEPPER SYNDROME. Identifiers: Orphanet 193, MedGen C0265223, MONDO:0008999, OMIM 216550.
VPS13B-related disorder. Also called: VPS13B-related condition.

Allele frequency attached by ClinVar (database versions not stated): gnomAD 0.00001 and 0.00003; gnomAD exomes 0.00006; TOPMed 0.00006; ExAC 0.00007; 1000 Genomes Project 30x 0.00031; 1000 Genomes Project 0.00040.
gnomAD v4.1: 64 of 1,613,018 alleles (0.004%); highest among the groups gnomAD compares: East Asian, 0.14%; no homozygotes.

Submissions (5):

PreventionGenetics, part of Exact Sciences
Classification: Likely benign for VPS13B-related condition. Last evaluated: 2026-08-27. Review status: criteria provided, single submitter. Criteria: ACMG Guidelines, 2015. Collection method: clinical testing. Allele origin: germline.
Comment: This variant is classified as likely benign based on ACMG/AMP sequence variant interpretation guidelines (Richards et al. 2015 PMID: 25741868, with internal and published modifications).

Labcorp Genetics (formerly Invitae), Labcorp
Classification: Likely benign for Cohen syndrome. Last evaluated: 2026-01-19. Review status: criteria provided, single submitter. Criteria: Invitae Variant Classification Sherloc (09022015). Collection method: clinical testing. Allele origin: germline.

Blueprint Genetics
Classification: Likely benign. Last evaluated: 2024-03-11. Review status: criteria provided, single submitter. Criteria: ACMG Guidelines, 2015. Collection method: clinical testing. Allele origin: germline.

Illumina Laboratory Services, Illumina
Classification: Uncertain significance for Cohen syndrome. Last evaluated: 2018-01-13. Review status: criteria provided, single submitter. Criteria: ICSL Variant Classification Criteria 13 December 2019. Collection method: clinical testing. Allele origin: germline.

Natera, Inc.
Classification: Likely benign for Cohen syndrome. Last evaluated: 2020-09-01. Review status: no assertion criteria provided. Collection method: clinical testing. Allele origin: germline. Not counted in ClinVar's aggregate classification.

NM_152564.5(VPS13B):c.2244T>C (p.Asp748=)

Gene: VPS13B (vacuolar protein sorting 13 homolog B; plus strand). Cytogenetic location: 8q22.2.
Variant type: single nucleotide variant.
Coding change: c.2244T>C on transcript NM_152564.5 (MANE Select); coding-DNA position 2244, T replaced by C.
Protein change: p.Asp748=; no amino-acid change (aspartic acid 748 retained).
Molecular consequence: synonymous variant.
Genome position (GRCh38, 1-based): chr8:99,170,074, T>C. VCF-style: chr8-99170074-T-C. GRCh37 (hg19) VCF-style: chr8-100182302-T-C.
Other names: c.2244T>C, p.Asp748= (NM_015243.3, NM_017890.5); c.2244T>C (NM_152564.4).
Identifiers: ClinVar variation 748702 (VCV000748702.17), dbSNP rs146450992, ClinGen allele CA4822859.